The following is an entry in ClinVar:

ClinVar aggregate classification (germline): Benign/Likely benign. Review status: criteria provided, multiple submitters, no conflicts (2 of 4 stars). 4 submissions from 4 submitters: Benign (1); Likely benign (2). 1 of the submissions does not count toward it. Last evaluated 2023-11-01.

Conditions:
Tramadol response. Also called: Ultram response. Identifiers: MedGen CN078023.

Allele frequency attached by ClinVar (database versions not stated): 1000 Genomes Project 30x 0.00219; 1000 Genomes Project 0.00220; TOPMed 0.00694; ESP Exome Variant Server 0.00777; gnomAD 0.00799 and 0.00827; gnomAD exomes 0.01076.
gnomAD v4.1: 16,712 of 1,610,552 alleles (1%); highest among the groups gnomAD compares: Non-Finnish European, 1.2%; 650 homozygotes.

Submissions (4):

CeGaT Center for Human Genetics Tuebingen
Classification: Benign. Last evaluated: 2023-11-01. Review status: criteria provided, single submitter. Criteria: CeGaT Center For Human Genetics Tuebingen Variant Classification Criteria Version 2. Collection method: clinical testing. Allele origin: germline. Affected: yes. Observed: 1 variant allele.
Comment: CYP2D6: BP4, BS1, BS2

GeneDx
Classification: Likely benign. Last evaluated: 2018-03-09. Review status: criteria provided, single submitter. Criteria: GeneDx Variant Classification (06012015). Collection method: clinical testing. Allele origin: germline. Affected: yes.
Comment: This variant is considered likely benign or benign based on one or more of the following criteria: it is a conservative change, it occurs at a poorly conserved position in the protein, it is predicted to be benign by multiple in silico algorithms, and/or has population frequency not consistent with disease.

Breakthrough Genomics
Classification: Likely benign. Review status: criteria provided, single submitter. Criteria: ACMG Guidelines, 2015. Collection method: not provided. Allele origin: germline. Inheritance: Autosomal recessive inheritance. Affected: yes.

Bruce Budowle Laboratory, University of North Texas Health Science Center
Classification: drug response for Tramadol response. Last evaluated: 2018-04-28. Review status: no assertion criteria provided. Collection method: research. Allele origin: somatic. Affected: yes. Observed: 33 variant alleles. Not counted in ClinVar's aggregate classification.

NM_000106.6(CYP2D6):c.709G>T (p.Ala237Ser)

Gene: CYP2D6 (cytochrome P450 family 2 subfamily D member 6 (gene/pseudogene); minus strand). Cytogenetic location: 22q13.2.
Variant type: single nucleotide variant.
Coding change: c.709G>T on transcript NM_000106.6 (MANE Select); coding-DNA position 709, G replaced by T.
Protein change: p.Ala237Ser; replaces alanine 237 with serine.
Molecular consequence: missense variant.
Genome position (GRCh38, 1-based): chr22:42,128,308, C>A on the plus strand (G>T on the coding strand, the complement: CYP2D6 is on the minus strand). VCF-style: chr22-42128308-C-A. GRCh37 (hg19) VCF-style: chr22-42524310-C-A.
Other names: c.709G>T, p.Ala237Ser (LRG_303t1); c.556G>T, p.Ala186Ser (NM_001025161.3); short protein forms A237S, A186S.
Identifiers: ClinVar variation 513099 (VCV000513099.27), dbSNP rs28371717, ClinGen allele CA10264898.